The following is an entry in ClinVar:

NM_177438.3(DICER1):c.5264A>G (p.His1755Arg)

Gene: DICER1 (dicer 1, ribonuclease III; minus strand). Cytogenetic location: 14q32.13.
Variant type: single nucleotide variant.
Coding change: c.5264A>G on transcript NM_177438.3 (MANE Select); coding-DNA position 5264, A replaced by G.
Protein change: p.His1755Arg; replaces histidine 1755 with arginine.
Molecular consequence: missense variant. On other transcripts: non-coding transcript variant (6).
Genome position (GRCh38, 1-based): chr14:95,093,988, T>C on the plus strand (A>G on the coding strand, the complement: DICER1 is on the minus strand). VCF-style: chr14-95093988-T-C. GRCh37 (hg19) VCF-style: chr14-95560325-T-C.
Other names: c.5264A>G, p.His1755Arg (NM_001195573.1, NM_001271282.3, NM_001291628.2 and 8 more transcripts); c.4982A>G, p.His1661Arg (NM_001395686.1); c.4859A>G, p.His1620Arg (NM_001395687.1, NM_001395688.1, NM_001395689.1 and 1 more transcripts); c.4697A>G, p.His1566Arg (NM_001395691.1); c.3581A>G, p.His1194Arg (NM_001395697.1); short protein forms H1620R, H1661R, H1194R, H1566R, H1755R.
Identifiers: ClinVar variation 3501898 (VCV003501898.1).

ClinVar aggregate classification (germline): Uncertain significance (1 of 4 stars; one submission).

Conditions:
Hereditary cancer-predisposing syndrome. Also called: Tumor predisposition; Neoplastic Syndromes, Hereditary; Hereditary Cancer Syndrome; Hereditary neoplastic syndrome. Identifiers: Orphanet 140162, MedGen C0027672, MeSH D009386, MONDO:0015356.

Submission:

Ambry Genetics
Classification: Uncertain significance for Hereditary cancer-predisposing syndrome. Last evaluated: 2024-09-03. Review status: criteria provided, single submitter. Criteria: Ambry Variant Classification Scheme 2023. Collection method: clinical testing. Allele origin: germline.
Comment: The p.H1755R variant (also known as c.5264A>G), located in coding exon 23 of the DICER1 gene, results from an A to G substitution at nucleotide position 5264. The histidine at codon 1755 is replaced by arginine, an amino acid with highly similar properties. This amino acid position is conserved. In addition, this alteration is predicted to be deleterious by in silico analysis. Based on the available evidence, the clinical significance of this variant remains unclear.